The following is an entry in ClinVar:

NM_024675.4(PALB2):c.2834+22A>C

Gene: PALB2 (partner and localizer of BRCA2; minus strand). Cytogenetic location: 16p12.2.
Variant type: single nucleotide variant.
Coding change: c.2834+22A>C on transcript NM_024675.4 (MANE Select); 22 bases into the intron after coding-DNA position 2834, A replaced by C.
Molecular consequence: intron variant.
Genome position (GRCh38, 1-based): chr16:23,623,987, T>G on the plus strand (A>C on the coding strand, the complement: PALB2 is on the minus strand). VCF-style: chr16-23623987-T-G. GRCh37 (hg19) VCF-style: chr16-23635308-T-G.
Other names: c.1949+22A>C (NM_001407308.1, NM_001407306.1, NM_001407309.1 and 4 more transcripts); c.368+22A>C (NM_001407314.1); c.1046+22A>C (NM_001407313.1, NM_001407312.1); c.2774+22A>C (NM_001407296.1); c.2762+22A>C (NM_001407297.1); c.2672+22A>C (NM_001407302.1, NM_001407298.1); c.2834+22A>C (NM_001407300.1, NM_001407299.1, NM_001407301.1); c.1787+22A>C (NM_001407307.1).
Identifiers: ClinVar variation 4539148 (VCV004539148.1).
Genomic context (GRCh38, chr16:23,623,987, plus strand): 5'-CCTAGGTTATTACCTGCACTTAAAACCAGCTGACAGAGACAAAGATGAAGGAAAAACAAA[T>G]CACTCCTTGGGAATTACATACCTGATCTCTCTGATTTCCAAATTTCCCAAAGCTACACAC-3'

ClinVar aggregate classification (germline): Likely benign (1 of 4 stars; one submission).

gnomAD v4.1: 47 of 1,519,814 alleles (0.0031%); highest among the groups gnomAD compares: Admixed American, 0.0067%; no homozygotes.

Submission:

Center for Genomic Medicine, Rigshospitalet, Copenhagen University Hospital
Classification: Likely benign. Last evaluated: 2025-12-29. Review status: criteria provided, single submitter. Criteria: ACMG Guidelines, 2015. Collection method: clinical testing. Allele origin: germline.
Comment: Classification criteria: BP4, BP7